The following is an entry in ClinVar:

NM_018026.4(PACS1):c.725C>G (p.Ser242Cys)

Gene: PACS1 (phosphofurin acidic cluster sorting protein 1; plus strand). Cytogenetic location: 11q13.2.
Variant type: single nucleotide variant.
Coding change: c.725C>G on transcript NM_018026.4 (MANE Select); coding-DNA position 725, C replaced by G.
Protein change: p.Ser242Cys; replaces serine 242 with cysteine.
Molecular consequence: missense variant.
Genome position (GRCh38, 1-based): chr11:66,216,183, C>G. VCF-style: chr11-66216183-C-G. GRCh37 (hg19) VCF-style: chr11-65983654-C-G.
Other names: short protein forms S242C.
Identifiers: ClinVar variation 1720139 (VCV001720139.6), dbSNP rs2495549714, ClinGen allele CA381347644.
Genomic context (GRCh38, chr11:66,216,183, plus strand): 5'-TGCAGCATCCTAATGAAGGCGCACTGGTGCTTGGCCTACACAGCAACGTGAAGGATGTCT[C>G]TGTGCCTGTGGCAGAAATAAAGATCTACTCCCTGTCCAGCCAACCCATTGACCATGAAGG-3'
Protein context (NP_060496.2, residues 232-252): LGLHSNVKDV[Ser242Cys]VPVAEIKIYS

ClinVar aggregate classification (germline): Uncertain significance (1 of 4 stars; one submission).

Conditions:
Schuurs-Hoeijmakers syndrome. Also called: PACS1-Related Neurodevelopmental Disorder. Identifiers: Orphanet 329224, MedGen C3554343, MONDO:0014006, OMIM 615009.

Submission:

Labcorp Genetics (formerly Invitae), Labcorp
Classification: Uncertain significance for Schuurs-Hoeijmakers syndrome. Last evaluated: 2022-09-23. Review status: criteria provided, single submitter. Criteria: Invitae Variant Classification Sherloc (09022015). Collection method: clinical testing. Allele origin: germline.
Comment: This sequence change replaces serine, which is neutral and polar, with cysteine, which is neutral and slightly polar, at codon 242 of the PACS1 protein (p.Ser242Cys). This variant is not present in population databases (gnomAD no frequency). This variant has not been reported in the literature in individuals affected with PACS1-related conditions. Advanced modeling of protein sequence and biophysical properties (such as structural, functional, and spatial information, amino acid conservation, physicochemical variation, residue mobility, and thermodynamic stability) performed at Invitae indicates that this missense variant is not expected to disrupt PACS1 protein function. In summary, the available evidence is currently insufficient to determine the role of this variant in disease. Therefore, it has been classified as a Variant of Uncertain Significance.